The following is an entry in ClinVar:

ClinVar aggregate classification (germline): Uncertain significance (1 of 4 stars; one submission).

Conditions:
Arrhythmogenic right ventricular dysplasia 13. Also called: ARRHYTHMOGENIC RIGHT VENTRICULAR CARDIOMYOPATHY 13; Arrhythmogenic right ventricular dysplasia, familial, 13. Identifiers: MedGen C3810138, MONDO:0000908, OMIM 615616.

gnomAD v4.1: 1 of 1,612,400 alleles (0.000062%); no homozygotes.

Submission:

Labcorp Genetics (formerly Invitae), Labcorp
Classification: Uncertain significance for Arrhythmogenic right ventricular dysplasia 13. Last evaluated: 2023-08-11. Review status: criteria provided, single submitter. Criteria: Invitae Variant Classification Sherloc (09022015). Collection method: clinical testing. Allele origin: germline.
Comment: This sequence change replaces arginine, which is basic and polar, with leucine, which is neutral and non-polar, at codon 95 of the CTNNA3 protein (p.Arg95Leu). This variant is not present in population databases (gnomAD no frequency). This variant has not been reported in the literature in individuals affected with CTNNA3-related conditions. Advanced modeling of protein sequence and biophysical properties (such as structural, functional, and spatial information, amino acid conservation, physicochemical variation, residue mobility, and thermodynamic stability) performed at Invitae indicates that this missense variant is not expected to disrupt CTNNA3 protein function. In summary, the available evidence is currently insufficient to determine the role of this variant in disease. Therefore, it has been classified as a Variant of Uncertain Significance.

NM_013266.4(CTNNA3):c.284G>T (p.Arg95Leu)

Gene: CTNNA3 (catenin alpha 3; minus strand). Cytogenetic location: 10q21.3.
Variant type: single nucleotide variant.
Coding change: c.284G>T on transcript NM_013266.4 (MANE Select); coding-DNA position 284, G replaced by T.
Protein change: p.Arg95Leu; replaces arginine 95 with leucine.
Molecular consequence: missense variant.
Genome position (GRCh38, 1-based): chr10:67,606,865, C>A on the plus strand (G>T on the coding strand, the complement: CTNNA3 is on the minus strand). VCF-style: chr10-67606865-C-A. GRCh37 (hg19) VCF-style: chr10-69366623-C-A.
Other names: c.284G>T, p.Arg95Leu (NM_001127384.3); c.320G>T, p.Arg107Leu (NM_001291133.2); short protein forms R107L, R95L.
Identifiers: ClinVar variation 2751926 (VCV002751926.3), dbSNP rs779423519, ClinGen allele CA377098087.